The following is an entry in ClinVar:

ClinVar aggregate classification (germline): Uncertain significance. Review status: criteria provided, multiple submitters, no conflicts (2 of 4 stars). 5 submissions from 5 submitters: Uncertain significance (5). Last evaluated 2024-11-23.

Conditions:
Fanconi anemia (FA). Also called: Fanconi's anemia. Identifiers: Orphanet 84, MedGen C0015625, MeSH D005199, MONDO:0019391.
Fanconi anemia complementation group D2. Also called: FANCD2-Related Fanconi Anemia; FANCONI PANCYTOPENIA, TYPE 4; FANCONI ANEMIA, COMPLEMENTATION GROUP D. Identifiers: Orphanet 84, MedGen C3160738, MONDO:0009214, OMIM 227646.
Inborn genetic diseases. Identifiers: MedGen C0950123, MeSH D030342.

Allele frequency attached by ClinVar (database versions not stated): gnomAD 0.00001; gnomAD exomes 0.00001 and 0.00002; ExAC 0.00002; TOPMed 0.00002.
gnomAD v4.1: 10 of 1,612,062 alleles (0.00062%); highest among the groups gnomAD compares: Non-Finnish European, 0.00085%; no homozygotes.

Submissions (5):

Blueprint Genetics
Classification: Uncertain significance. Last evaluated: 2024-11-23. Review status: criteria provided, single submitter. Criteria: ACMG Guidelines, 2015. Collection method: clinical testing. Allele origin: germline.

Fulgent Genetics
Classification: Uncertain significance for Fanconi anemia complementation group D2. Last evaluated: 2024-05-27. Review status: criteria provided, single submitter. Criteria: ACMG Guidelines, 2015. Collection method: clinical testing. Allele origin: germline.

Ambry Genetics
Classification: Uncertain significance for Inborn genetic diseases. Last evaluated: 2023-01-23. Review status: criteria provided, single submitter. Criteria: Ambry Variant Classification Scheme 2023. Collection method: clinical testing. Allele origin: germline.

Genetic Services Laboratory, University of Chicago
Classification: Uncertain significance. Last evaluated: 2021-01-07. Review status: criteria provided, single submitter. Criteria: ACMG Guidelines, 2015. Collection method: clinical testing. Allele origin: germline. Affected: no.
Comment: DNA sequence analysis of the FANCD2 gene demonstrated a sequence change, c.1465G>A, in exon 17 that results in an amino acid change, p.Val489Ile. This sequence change does not appear to have been previously described in individuals with FANCD2-related disorders and has been described in the gnomAD database with a frequency of 0.005% in the European sub-population (dbSNP rs761454597). The p.Val489Ile change affects a moderately conserved amino acid residue located in a domain of the FANCD2 protein that is known to be functional. In-silico pathogenicity prediction tools (SIFT, PolyPhen2, Align GVGD, REVEL) provide contradictory results for the p.Val489Ile substitution. Due to these contrasting evidences and the lack of functional studies, the clinical significance of the p.Val489Ile change remains unknown at this time.

Labcorp Genetics (formerly Invitae), Labcorp
Classification: Uncertain significance for Fanconi anemia. Last evaluated: 2020-12-03. Review status: criteria provided, single submitter. Criteria: Invitae Variant Classification Sherloc (09022015). Collection method: clinical testing. Allele origin: germline.
Comment: In summary, the available evidence is currently insufficient to determine the role of this variant in disease. Therefore, it has been classified as a Variant of Uncertain Significance. Algorithms developed to predict the effect of missense changes on protein structure and function are either unavailable or do not agree on the potential impact of this missense change (SIFT: "Tolerated"; PolyPhen-2: "Possibly Damaging"; Align-GVGD: "Class C0"). This variant has not been reported in the literature in individuals with FANCD2-related conditions. The frequency data for this variant in the population databases is considered unreliable, as metrics indicate poor data quality at this position in the ExAC database. This sequence change replaces valine with isoleucine at codon 489 of the FANCD2 protein (p.Val489Ile). The valine residue is moderately conserved and there is a small physicochemical difference between valine and isoleucine.

NM_001018115.3(FANCD2):c.1465G>A (p.Val489Ile)

Genes: FANCD2 (FA complementation group D2; plus strand), LOC107303338 (3p25 FANCD2 Alu-mediated recombination region; plus strand). Cytogenetic location: 3p25.3.
Variant type: single nucleotide variant.
Coding change: c.1465G>A on transcript NM_001018115.3 (MANE Select); coding-DNA position 1465, G replaced by A.
Protein change: p.Val489Ile; replaces valine 489 with isoleucine.
Molecular consequence: missense variant.
Genome position (GRCh38, 1-based): chr3:10,049,425, G>A. VCF-style: chr3-10049425-G-A. GRCh37 (hg19) VCF-style: chr3-10091109-G-A.
Other names: c.1465G>A, p.Val489Ile (NM_001319984.2, NM_001374253.1, NM_001374254.1 and 1 more transcripts); c.1465G>A (NM_033084.3); short protein forms V489I.
Identifiers: ClinVar variation 1052948 (VCV001052948.16), dbSNP rs761454597, ClinGen allele CA2249671.